The following is an entry in ClinVar:

NM_015335.5(MED13L):c.5836C>G (p.Leu1946Val)

Gene: MED13L (mediator complex subunit 13L; minus strand). Cytogenetic location: 12q24.21.
Variant type: single nucleotide variant.
Coding change: c.5836C>G on transcript NM_015335.5 (MANE Select); coding-DNA position 5836, C replaced by G.
Protein change: p.Leu1946Val; replaces leucine 1946 with valine.
Molecular consequence: missense variant.
Genome position (GRCh38, 1-based): chr12:115,972,132, G>C on the plus strand (C>G on the coding strand, the complement: MED13L is on the minus strand). VCF-style: chr12-115972132-G-C. GRCh37 (hg19) VCF-style: chr12-116409937-G-C.
Other names: short protein forms L1946V.
Identifiers: ClinVar variation 3628257 (VCV003628257.2).
Genomic context (GRCh38, chr12:115,972,132, plus strand): 5'-ATTTACCTGGCATCACTACAAAGGACCCCTGGGGCTCCATGGCAACCAGGCAGGCACTAA[G>C]GATAGAAGGAGAGTCTGCGGCAGAGATTCCACACATCCGGCACACATCCTTGAGCTTTTT-3'
Protein context (NP_056150.1, residues 1936-1956): GISAADSPSI[Leu1946Val]SACLVAMEPQ

ClinVar aggregate classification (germline): Uncertain significance (1 of 4 stars; one submission).

Conditions:
Dextro-looped transposition of the great arteries. Also called: Dextrotransposition of the great arteries. Identifiers: Orphanet 860, MedGen C3531771, MONDO:0019443, OMIM 608808, HP:0031348.

Submission:

Labcorp Genetics (formerly Invitae), Labcorp
Classification: Uncertain significance for Dextro-looped transposition of the great arteries. Last evaluated: 2024-12-24. Review status: criteria provided, single submitter. Criteria: Invitae Variant Classification Sherloc (09022015). Collection method: clinical testing. Allele origin: germline.
Comment: This sequence change replaces leucine, which is neutral and non-polar, with valine, which is neutral and non-polar, at codon 1946 of the MED13L protein (p.Leu1946Val). This variant is not present in population databases (gnomAD no frequency). This variant has not been reported in the literature in individuals affected with MED13L-related conditions. Invitae Evidence Modeling of protein sequence and biophysical properties (such as structural, functional, and spatial information, amino acid conservation, physicochemical variation, residue mobility, and thermodynamic stability) indicates that this missense variant is expected to disrupt MED13L protein function with a positive predictive value of 80%. In summary, the available evidence is currently insufficient to determine the role of this variant in disease. Therefore, it has been classified as a Variant of Uncertain Significance.